The following is an entry in ClinVar:

NM_031935.3(HMCN1):c.15314G>A (p.Cys5105Tyr)

Gene: HMCN1 (hemicentin 1; plus strand). Cytogenetic location: 1q31.1.
Variant type: single nucleotide variant.
Coding change: c.15314G>A on transcript NM_031935.3 (MANE Select); coding-DNA position 15314, G replaced by A.
Protein change: p.Cys5105Tyr; replaces cysteine 5105 with tyrosine.
Molecular consequence: missense variant.
Genome position (GRCh38, 1-based): chr1:186,165,168, G>A. VCF-style: chr1-186165168-G-A. GRCh37 (hg19) VCF-style: chr1-186134300-G-A.
Other names: short protein forms C5105Y.
Identifiers: ClinVar variation 4881628 (VCV004881628.2).

ClinVar aggregate classification (germline): Uncertain significance (1 of 4 stars; one submission).

gnomAD v4.1: 1 of 1,613,344 alleles (0.000062%); highest among the groups gnomAD compares: South Asian, 0.0011%; no homozygotes.

Submission:

Dasa
Classification: Uncertain significance. Last evaluated: 2026-04-10. Review status: criteria provided, single submitter. Criteria: DASA Assertion Criteria. Collection method: clinical testing. Allele origin: germline.
Comment: NM_031935.3(HMCN1):c.15314G>A (p.Cys5105Tyr) is a missense variant that results in the substitution of cysteine with tyrosine. This variant is rare in population databases. Computational prediction algorithms are consistent with a deleterious effect. The currently available literature and clinical evidence are not sufficient to establish a definitive association between this variant and the reported condition. Therefore, this variant is classified as a variant of uncertain significance.